The following is an entry in ClinVar:

ClinVar aggregate classification (germline): Uncertain significance. Review status: criteria provided, multiple submitters, no conflicts (2 of 4 stars). 2 submissions from 2 submitters: Uncertain significance (2). Last evaluated 2024-11-13.

Conditions:
Hypertrophic cardiomyopathy. Also called: HYPERTROPHIC MYOCARDIOPATHY. Identifiers: Orphanet 217569, MedGen C0007194, MeSH D002312, MONDO:0005045, HP:0001639.

Allele frequency attached by ClinVar (database versions not stated): gnomAD exomes below 0.00001 and 0.00001; TOPMed 0.00001; ExAC 0.00004.
gnomAD v4.1: 20 of 1,611,694 alleles (0.0012%); highest among the groups gnomAD compares: South Asian, 0.0055%; no homozygotes.

Submissions (2):

Ambry Genetics
Classification: Uncertain significance. Last evaluated: 2024-11-13. Review status: criteria provided, single submitter. Criteria: Ambry Variant Classification Scheme 2023. Collection method: clinical testing. Allele origin: germline.

Labcorp Genetics (formerly Invitae), Labcorp
Classification: Uncertain significance for Hypertrophic cardiomyopathy. Last evaluated: 2024-04-22. Review status: criteria provided, single submitter. Criteria: Invitae Variant Classification Sherloc (09022015). Collection method: clinical testing. Allele origin: germline.
Comment: This sequence change replaces glutamic acid, which is acidic and polar, with lysine, which is basic and polar, at codon 1187 of the MYOM1 protein (p.Glu1187Lys). This variant is not present in population databases (gnomAD no frequency). This variant has not been reported in the literature in individuals affected with MYOM1-related conditions. ClinVar contains an entry for this variant (Variation ID: 1425202). Advanced modeling of protein sequence and biophysical properties (such as structural, functional, and spatial information, amino acid conservation, physicochemical variation, residue mobility, and thermodynamic stability) performed at Invitae indicates that this missense variant is not expected to disrupt MYOM1 protein function with a negative predictive value of 80%. In summary, the available evidence is currently insufficient to determine the role of this variant in disease. Therefore, it has been classified as a Variant of Uncertain Significance.

NM_003803.4(MYOM1):c.3559G>A (p.Glu1187Lys)

Gene: MYOM1 (myomesin 1; minus strand). Cytogenetic location: 18p11.31.
Variant type: single nucleotide variant.
Coding change: c.3559G>A on transcript NM_003803.4 (MANE Select); coding-DNA position 3559, G replaced by A.
Protein change: p.Glu1187Lys; replaces glutamic acid 1187 with lysine.
Molecular consequence: missense variant.
Genome position (GRCh38, 1-based): chr18:3,102,490, C>T on the plus strand (G>A on the coding strand, the complement: MYOM1 is on the minus strand). VCF-style: chr18-3102490-C-T. GRCh37 (hg19) VCF-style: chr18-3102488-C-T.
Other names: c.3559G>A (NM_003803.3); c.3271G>A, p.Glu1091Lys (NM_019856.2); short protein forms E1187K, E1091K.
Identifiers: ClinVar variation 1425202 (VCV001425202.9), dbSNP rs747613137, ClinGen allele CA8874260.